The following is an entry in ClinVar:

NM_004341.5(CAD):c.785T>C (p.Ile262Thr)

Gene: CAD (carbamoyl-phosphate synthetase 2, aspartate transcarbamylase, and dihydroorotase; plus strand). Cytogenetic location: 2p23.3.
Variant type: single nucleotide variant.
Coding change: c.785T>C on transcript NM_004341.5 (MANE Select); coding-DNA position 785, T replaced by C.
Protein change: p.Ile262Thr; replaces isoleucine 262 with threonine.
Molecular consequence: missense variant.
Genome position (GRCh38, 1-based): chr2:27,223,013, T>C. VCF-style: chr2-27223013-T-C. GRCh37 (hg19) VCF-style: chr2-27445881-T-C.
Other names: c.785T>C, p.Ile262Thr (NM_001306079.2); short protein forms I262T.
Identifiers: ClinVar variation 1449363 (VCV001449363.3), dbSNP rs149058073, ClinGen allele CA1572511.

ClinVar aggregate classification (germline): Uncertain significance (1 of 4 stars; one submission).

Allele frequency attached by ClinVar (database versions not stated): gnomAD exomes 0.00002; ExAC 0.00004; gnomAD 0.00004; TOPMed 0.00005; ESP Exome Variant Server 0.00008; 1000 Genomes Project 0.00020; 1000 Genomes Project 30x 0.00031.
gnomAD v4.1: 41 of 1,614,138 alleles (0.0025%); highest among the groups gnomAD compares: Middle Eastern, 0.049%; no homozygotes.

Submission:

Labcorp Genetics (formerly Invitae), Labcorp
Classification: Uncertain significance. Last evaluated: 2021-09-20. Review status: criteria provided, single submitter. Criteria: Invitae Variant Classification Sherloc (09022015). Collection method: clinical testing. Allele origin: germline.
Comment: This sequence change replaces isoleucine with threonine at codon 262 of the CAD protein (p.Ile262Thr). The isoleucine residue is moderately conserved and there is a moderate physicochemical difference between isoleucine and threonine. This variant is present in population databases (rs149058073, ExAC 0.01%). This variant has not been reported in the literature in individuals affected with CAD-related conditions. Algorithms developed to predict the effect of missense changes on protein structure and function (SIFT, PolyPhen-2, Align-GVGD) all suggest that this variant is likely to be tolerated. In summary, the available evidence is currently insufficient to determine the role of this variant in disease. Therefore, it has been classified as a Variant of Uncertain Significance.